The following is an entry in ClinVar:

NM_001018115.3(FANCD2):c.1018C>G (p.Gln340Glu)

Genes: FANCD2 (FA complementation group D2; plus strand), LOC107303338 (3p25 FANCD2 Alu-mediated recombination region; plus strand). Cytogenetic location: 3p25.3.
Variant type: single nucleotide variant.
Coding change: c.1018C>G on transcript NM_001018115.3 (MANE Select); coding-DNA position 1018, C replaced by G.
Protein change: p.Gln340Glu; replaces glutamine 340 with glutamic acid.
Molecular consequence: missense variant.
Genome position (GRCh38, 1-based): chr3:10,043,512, C>G. VCF-style: chr3-10043512-C-G. GRCh37 (hg19) VCF-style: chr3-10085196-C-G.
Other names: c.1018C>G, p.Gln340Glu (NM_001319984.2, NM_001374253.1, NM_001374254.1 and 1 more transcripts); short protein forms Q340E.
Identifiers: ClinVar variation 2799216 (VCV002799216.3), dbSNP rs2086918352, ClinGen allele CA351730569.
Genomic context (GRCh38, chr3:10,043,512, plus strand): 5'-AGAGTAATTTTTTTCCTCTCTGCTACTTGTAGTTCCTCAGGAAATCAAGAAAGCAGCGGT[C>G]AGAGCTGTATTATTCTCCTCTTTGATGTAATAAAGTCAGCTATTAGATATGAGAAAACCA-3'
Protein context (NP_001018125.1, residues 330-350): SSSGNQESSG[Gln340Glu]SCIILLFDVI

ClinVar aggregate classification (germline): Uncertain significance (1 of 4 stars; one submission).

Conditions:
Fanconi anemia (FA). Also called: Fanconi's anemia. Identifiers: Orphanet 84, MedGen C0015625, MeSH D005199, MONDO:0019391.

Allele frequency attached by ClinVar (database versions not stated): gnomAD 0.00001.
gnomAD v4.1: 3 of 1,613,628 alleles (0.00019%); highest among the groups gnomAD compares: East Asian, 0.0022%; no homozygotes.

Submission:

Labcorp Genetics (formerly Invitae), Labcorp
Classification: Uncertain significance for Fanconi anemia. Last evaluated: 2023-11-04. Review status: criteria provided, single submitter. Criteria: Invitae Variant Classification Sherloc (09022015). Collection method: clinical testing. Allele origin: germline.
Comment: This sequence change replaces glutamine, which is neutral and polar, with glutamic acid, which is acidic and polar, at codon 340 of the FANCD2 protein (p.Gln340Glu). This variant is not present in population databases (gnomAD no frequency). This variant has not been reported in the literature in individuals affected with FANCD2-related conditions. Advanced modeling of protein sequence and biophysical properties (such as structural, functional, and spatial information, amino acid conservation, physicochemical variation, residue mobility, and thermodynamic stability) performed at Invitae indicates that this missense variant is not expected to disrupt FANCD2 protein function with a negative predictive value of 80%. In summary, the available evidence is currently insufficient to determine the role of this variant in disease. Therefore, it has been classified as a Variant of Uncertain Significance.